The following is an entry in ClinVar:

NM_001134831.2(AHI1):c.1867A>G (p.Ile623Val)

Gene: AHI1 (Abelson helper integration site 1; minus strand). Cytogenetic location: 6q23.3.
Variant type: single nucleotide variant.
Coding change: c.1867A>G on transcript NM_001134831.2 (MANE Select); coding-DNA position 1867, A replaced by G.
Protein change: p.Ile623Val; replaces isoleucine 623 with valine.
Molecular consequence: missense variant.
Genome position (GRCh38, 1-based): chr6:135,442,627, T>C on the plus strand (A>G on the coding strand, the complement: AHI1 is on the minus strand). VCF-style: chr6-135442627-T-C. GRCh37 (hg19) VCF-style: chr6-135763765-T-C.
Other names: c.1867A>G, p.Ile623Val (NM_001134830.2, NM_001134832.2, NM_001350503.2 and 2 more transcripts); short protein forms I623V.
Identifiers: ClinVar variation 1715619 (VCV001715619.6), dbSNP rs1786491846, ClinGen allele CA365744507.

ClinVar aggregate classification (germline): Uncertain significance (1 of 4 stars; one submission).

Conditions:
Joubert syndrome. Also called: CEREBELLOPARENCHYMAL DISORDER IV; JOUBERT-BOLTSHAUSER SYNDROME; Familial aplasia of the vermis. Identifiers: Orphanet 475, MedGen C5979921, MONDO:0018772.

Submission:

Labcorp Genetics (formerly Invitae), Labcorp
Classification: Uncertain significance for Joubert syndrome. Last evaluated: 2023-08-24. Review status: criteria provided, single submitter. Criteria: Invitae Variant Classification Sherloc (09022015). Collection method: clinical testing. Allele origin: germline.
Comment: In summary, the available evidence is currently insufficient to determine the role of this variant in disease. Therefore, it has been classified as a Variant of Uncertain Significance. Advanced modeling of protein sequence and biophysical properties (such as structural, functional, and spatial information, amino acid conservation, physicochemical variation, residue mobility, and thermodynamic stability) performed at Invitae indicates that this missense variant is not expected to disrupt AHI1 protein function. ClinVar contains an entry for this variant (Variation ID: 1715619). This variant has not been reported in the literature in individuals affected with AHI1-related conditions. This variant is not present in population databases (gnomAD no frequency). This sequence change replaces isoleucine, which is neutral and non-polar, with valine, which is neutral and non-polar, at codon 623 of the AHI1 protein (p.Ile623Val).